The following is an entry in ClinVar:

NM_007294.4(BRCA1):c.1154G>A (p.Trp385Ter)

Gene: BRCA1 (BRCA1 DNA repair associated; minus strand). Cytogenetic location: 17q21.31.
Variant type: single nucleotide variant.
Coding change: c.1154G>A on transcript NM_007294.4 (MANE Select); coding-DNA position 1154, G replaced by A.
Protein change: p.Trp385Ter; replaces tryptophan 385 with a stop codon.
Molecular consequence: nonsense. On other transcripts: intron variant (137).
Genome position (GRCh38, 1-based): chr17:43,094,377, C>T on the plus strand (G>A on the coding strand, the complement: BRCA1 is on the minus strand). VCF-style: chr17-43094377-C-T. GRCh37 (hg19) VCF-style: chr17-41246394-C-T.
Other names: c.941G>A, p.Trp314Ter (NM_001407571.1, NM_001407853.1, NM_001407894.1 and 9 more transcripts); c.1154G>A, p.Trp385Ter (NM_001407581.1, NM_001407582.1, NM_001407583.1 and 30 more transcripts); c.1151G>A, p.Trp384Ter (NM_001407587.1, NM_001407590.1, NM_001407591.1 and 22 more transcripts); c.1145G>A, p.Trp382Ter (NM_001407646.1, NM_001407647.1); c.1031G>A, p.Trp344Ter (NM_001407648.1, NM_001407664.1, NM_001407665.1 and 19 more transcripts); c.1028G>A, p.Trp343Ter (NM_001407649.1, NM_001407670.1, NM_001407671.1 and 11 more transcripts); c.1076G>A, p.Trp359Ter (NM_001407653.1, NM_001407654.1, NM_001407655.1 and 4 more transcripts); c.1073G>A, p.Trp358Ter (NM_001407659.1, NM_001407660.1, NM_001407661.1 and 1 more transcripts); and 40 more; short protein forms W385*, W338*, W296*, W297*, W318*, W344*, W217*, W314*.
Identifiers: ClinVar variation 479259 (VCV000479259.15), dbSNP rs1555592354, ClinGen allele CA10599747.

ClinVar aggregate classification (germline): Pathogenic. Review status: criteria provided, multiple submitters, no conflicts (2 of 4 stars). 2 submissions from 2 submitters: Pathogenic (2). Last evaluated 2019-04-04.

Conditions:
Hereditary cancer-predisposing syndrome. Also called: Neoplastic Syndromes, Hereditary; Hereditary Cancer Syndrome; Hereditary neoplastic syndrome; Tumor predisposition. Identifiers: Orphanet 140162, MedGen C0027672, MeSH D009386, MONDO:0015356.
Hereditary breast ovarian cancer syndrome. Also called: Hereditary breast and ovarian cancer syndrome (HBOC); Hereditary breast and ovarian cancer syndrome; Breast and ovarian cancer; BRCA1- and BRCA2-Associated Hereditary Breast and Ovarian Cancer; Hereditary breast and ovarian cancer; Hereditary breast and/or ovarian cancer syndrome. Identifiers: Orphanet 145, MedGen C0677776, MeSH D061325, MONDO:0003582. Disease mechanism: loss of function.

Submissions (2):

Labcorp Genetics (formerly Invitae), Labcorp
Classification: Pathogenic for Hereditary breast ovarian cancer syndrome. Last evaluated: 2019-04-04. Review status: criteria provided, single submitter. Criteria: Invitae Variant Classification Sherloc (09022015). Collection method: clinical testing. Allele origin: germline.
Comment: This sequence change creates a premature translational stop signal (p.Trp385*) in the BRCA1 gene. It is expected to result in an absent or disrupted protein product. This variant is not present in population databases (ExAC no frequency). This variant has been observed in several individuals undergoing genetic testing for hereditary breast and ovarian cancer (PMID: 26911350, 29310832). ClinVar contains an entry for this variant (Variation ID: 479259). A different variant (c.1155G>A) giving rise to the same protein effect observed here (p.Trp385*) has been determined to be pathogenic (PMID:26577449). This suggests that this variant is also likely to be causative of disease. Loss-of-function variants in BRCA1 are known to be pathogenic (PMID: 20104584). For these reasons, this variant has been classified as Pathogenic.

Ambry Genetics
Classification: Pathogenic for Hereditary cancer-predisposing syndrome. Last evaluated: 2017-04-25. Review status: criteria provided, single submitter. Criteria: Ambry Variant Classification Scheme 2023. Collection method: clinical testing. Allele origin: germline.
Comment: The p.W385* variant (also known as c.1154G>A), located in coding exon 9 of the BRCA1 gene, results from a G to A substitution at nucleotide position 1154. This changes the amino acid from a tryptophan to a stop codon within coding exon 9. This alteration has been reported in 1 of 240 patients considered high-risk patients for hereditary breast and ovarian cancer (Schenkel LC et al. J Mol Diagn, 2016 Sep;18:657-67). An alteration at the same codon, also resulting in a stop codon at amino acid 385 (c.1155G>A) has been reported in an individual diagnosed with premenopausal breast cancer (Francies FZ et al. BMC Cancer, 2015 Nov;15:912) and an individual from a breast and/or ovarian cancer cohort (Mannan AU et al. J. Hum. Genet., 2016 Jun;61:515-22). In addition to the clinical data presented in the literature, this alteration is expected to result in loss of function by premature protein truncation or nonsense-mediated mRNA decay. As such, this alteration is interpreted as a disease-causing mutation.

Literature cited by the submitters: PubMed 26911350 (cited by Labcorp Genetics (formerly Invitae), Labcorp and Ambry Genetics); PubMed 29310832 (cited by Labcorp Genetics (formerly Invitae), Labcorp); PubMed 26577449 (cited by Labcorp Genetics (formerly Invitae), Labcorp and Ambry Genetics); PubMed 20104584 (cited by Labcorp Genetics (formerly Invitae), Labcorp); PubMed 27376475 (cited by Ambry Genetics).